The following is an entry in ClinVar:

NM_000540.3(RYR1):c.14772C>T (p.Phe4924=)

Gene: RYR1 (ryanodine receptor 1; plus strand). Cytogenetic location: 19q13.2.
Variant type: single nucleotide variant.
Coding change: c.14772C>T on transcript NM_000540.3 (MANE Select); coding-DNA position 14772, C replaced by T.
Protein change: p.Phe4924=; no amino-acid change (phenylalanine 4924 retained).
Molecular consequence: synonymous variant.
Genome position (GRCh38, 1-based): chr19:38,585,068, C>T. VCF-style: chr19-38585068-C-T. GRCh37 (hg19) VCF-style: chr19-39075708-C-T.
Other names: c.14757C>T, p.Phe4919= (NM_001042723.2).
Identifiers: ClinVar variation 1664949 (VCV001664949.11), dbSNP rs777921199, ClinGen allele CA061583.

ClinVar aggregate classification (germline): Likely benign. Review status: criteria provided, multiple submitters, no conflicts (2 of 4 stars). 4 submissions from 4 submitters: Likely benign (4). Last evaluated 2024-07-01.

Conditions:
Malignant hyperthermia, susceptibility to, 1 (MHS1). Also called: Anesthesia related hyperthermia; RYR1-Related Malignant Hyperthermia Susceptibility; Malignant hyperpyrexia; Fulminating hyperpyrexia; Pharmacogenic myopathy; Malignant hyperthermia suceptibility 1. Identifiers: Orphanet 423, MedGen C2930980, MONDO:0007783, OMIM 145600.
RYR1-related disorder. Also called: RYR1-related disorders; RYR1-related condition. Identifiers: MedGen CN239331.

Allele frequency attached by ClinVar (database versions not stated): gnomAD 0.00001; gnomAD exomes 0.00001 and 0.00002; TOPMed 0.00002; ExAC 0.00003.
gnomAD v4.1: 23 of 1,613,842 alleles (0.0014%); highest among the groups gnomAD compares: South Asian, 0.0066%; no homozygotes.

Submissions (4):

Blueprint Genetics
Classification: Likely benign. Last evaluated: 2024-07-01. Review status: criteria provided, single submitter. Criteria: ACMG Guidelines, 2015. Collection method: clinical testing. Allele origin: germline.

Labcorp Genetics (formerly Invitae), Labcorp
Classification: Likely benign for RYR1-related disorder. Last evaluated: 2024-05-22. Review status: criteria provided, single submitter. Criteria: Invitae Variant Classification Sherloc (09022015). Collection method: clinical testing. Allele origin: germline.

All of Us Research Program, National Institutes of Health
Classification: Likely benign for Malignant hyperthermia, susceptibility to, 1. Last evaluated: 2024-03-24. Review status: criteria provided, single submitter. Criteria: ACMG Guidelines, 2015. Collection method: clinical testing. Allele origin: germline. Inheritance: Autosomal dominant inheritance. Observed: 4 variant alleles, 4 heterozygotes.
Comment: This study involves interpretation of variants in research participants for the purpose of population health screening. Participant phenotype was not available at the time of variant classification. Additional details can be found in publication PMID: 35346344, PMCID: PMC8962531

Color Diagnostics, LLC DBA Color Health
Classification: Likely benign for Malignant hyperthermia, susceptibility to, 1. Last evaluated: 2022-11-06. Review status: criteria provided, single submitter. Criteria: ACMG Guidelines, 2015. Collection method: clinical testing. Allele origin: germline.